The following is an entry in ClinVar:

NM_000202.8(IDS):c.419-1G>C

Genes: IDS (iduronate 2-sulfatase; minus strand), LOC106050102 (IDS recombination region; plus strand). Cytogenetic location: Xq28.
Variant type: single nucleotide variant.
Coding change: c.419-1G>C on transcript NM_000202.8 (MANE Select); the canonical splice acceptor site of the intron before coding-DNA position 419, G replaced by C.
Molecular consequence: splice acceptor variant.
Genome position (GRCh38, 1-based): chrX:149,501,038, C>G on the plus strand (G>C on the coding strand, the complement: IDS is on the minus strand). VCF-style: chrX-149501038-C-G. GRCh37 (hg19) VCF-style: chrX-148582569-C-G.
Other names: c.149-1G>C (NM_001166550.4); c.419-1G>C (NM_006123.5).
Identifiers: ClinVar variation 3255718 (VCV003255718.2).

ClinVar aggregate classification (germline): Pathogenic (1 of 4 stars; one submission).

Conditions:
Mucopolysaccharidosis, MPS-II (MPS2). Also called: Hunter Syndrome; IDURONATE 2-SULFATASE DEFICIENCY; Mucopolysaccharidosis Type II; Mucopolysaccharidosis type 2; Attenuated MPS (subtype; formerly known as mild MPS II); Severe MPS II. Identifiers: Orphanet 580, Orphanet 79388, MedGen C0026705, MONDO:0010674, OMIM 309900.

Submission:

Laboratory of Diagnosis and Therapy of Lysosomal Disorders, University of Padova
Classification: Pathogenic for Mucopolysaccharidosis, MPS-II. Last evaluated: 2024-06-07. Review status: criteria provided, single submitter. Criteria: ACMG Guidelines, 2015. Collection method: literature only. Allele origin: germline. Affected: yes. Observed: 1 variant allele.
Comment: Null variant (PVS1_VeryStrong), Absent from controls (or at low frequency) in gnomAD database (PM2_Moderate), Patient’s phenotype or family history highly specific for the disease (PP4_Strong)

Classification method: ACMG Guidelines [PMID:25741868] with modifications

Literature cited by the submitters: PubMed 27351199.